The following is an entry in ClinVar:

NM_001286577.2(C2CD3):c.6445C>G (p.Gln2149Glu)

Gene: C2CD3 (C2 domain containing 3 centriole elongation regulator; minus strand). Cytogenetic location: 11q13.4.
Variant type: single nucleotide variant.
Coding change: c.6445C>G on transcript NM_001286577.2 (MANE Select); coding-DNA position 6445, C replaced by G.
Protein change: p.Gln2149Glu; replaces glutamine 2149 with glutamic acid.
Molecular consequence: missense variant.
Genome position (GRCh38, 1-based): chr11:74,033,715, G>C on the plus strand (C>G on the coding strand, the complement: C2CD3 is on the minus strand). VCF-style: chr11-74033715-G-C. GRCh37 (hg19) VCF-style: chr11-73744760-G-C.
Other names: short protein forms Q2149E.
Identifiers: ClinVar variation 1944404 (VCV001944404.5), dbSNP rs1342457603, ClinGen allele CA381820290.

ClinVar aggregate classification (germline): Uncertain significance (1 of 4 stars; one submission).

Allele frequency attached by ClinVar (database versions not stated): TOPMed below 0.00001; gnomAD exomes 0.00001.
gnomAD v4.1: 10 of 1,536,394 alleles (0.00065%); highest among the groups gnomAD compares: Non-Finnish European, 0.00087%; no homozygotes.

Submission:

Labcorp Genetics (formerly Invitae), Labcorp
Classification: Uncertain significance. Last evaluated: 2023-11-27. Review status: criteria provided, single submitter. Criteria: Invitae Variant Classification Sherloc (09022015). Collection method: clinical testing. Allele origin: germline.
Comment: The C2CD3 gene has multiple clinically relevant transcripts. This variant occurs in alternate transcript NM_001286577.1, and corresponds to NM_015531.5:c.*883C>G in the primary transcript. This sequence change replaces glutamine, which is neutral and polar, with glutamic acid, which is acidic and polar, at codon 2149 of the C2CD3 protein (p.Gln2149Glu). This variant is present in population databases (no rsID available, gnomAD 0.002%). This variant has not been reported in the literature in individuals affected with C2CD3-related conditions. In summary, the available evidence is currently insufficient to determine the role of this variant in disease. Therefore, it has been classified as a Variant of Uncertain Significance.